The following is an entry in ClinVar:

NM_001614.5(ACTG1):c.277G>A (p.Glu93Lys)

Gene: ACTG1 (actin gamma 1; minus strand). Cytogenetic location: 17q25.3.
Variant type: single nucleotide variant.
Coding change: c.277G>A on transcript NM_001614.5 (MANE Select); coding-DNA position 277, G replaced by A.
Protein change: p.Glu93Lys; replaces glutamic acid 93 with lysine.
Molecular consequence: missense variant. On other transcripts: non-coding transcript variant (1).
Genome position (GRCh38, 1-based): chr17:81,511,989, C>T on the plus strand (G>A on the coding strand, the complement: ACTG1 is on the minus strand). VCF-style: chr17-81511989-C-T. GRCh37 (hg19) VCF-style: chr17-79479015-C-T.
Other names: c.277G>A, p.Glu93Lys (NM_001199954.3); short protein forms E93K.
Identifiers: ClinVar variation 561398 (VCV000561398.3), dbSNP rs1568062529, ClinGen allele CA401463008.
Genomic context (GRCh38, chr17:81,511,989, plus strand): 5'-TGGGGTTCAGGGGGGCCTCGGTCAGCAGCACTGGGTGCTCCTCCGGGGCCACGCGCAGCT[C>T]GTTGTAGAAGGTGTGGTGCCAGATCTTCTCCATGTCGTCCCAGTTGGTGACGATGCCATG-3'
Protein context (NP_001605.1, residues 83-103): EKIWHHTFYN[Glu93Lys]LRVAPEEHPV

ClinVar aggregate classification (germline): Conflicting classifications of pathogenicity. Review status: criteria provided, conflicting classifications (1 of 4 stars). 2 submissions from 2 submitters: Pathogenic (1); Uncertain significance (1). Last evaluated 2025-03-22.

Conditions:
ACTG1-related disorder. Also called: ACTG1-related disorders; ACTG1-related condition.

Submissions (2):

PreventionGenetics, part of Exact Sciences
Classification: Uncertain significance for ACTG1-related condition. Last evaluated: 2025-03-22. Review status: criteria provided, single submitter. Criteria: ACMG Guidelines, 2015. Collection method: clinical testing. Allele origin: germline.
Comment: The ACTG1 c.277G>A variant is predicted to result in the amino acid substitution p.Glu93Lys. This variant has been reported de novo in an individual with Waardenburg syndrome (Table 1, Bertani-Torres et al. 2023. PubMedID: 38391765). This variant has not been reported in a large population database (gnomAD), indicating this variant is rare. Although we suspect that this variant may be pathogenic, at this time, the clinical significance of this variant is uncertain due to the absence of conclusive functional and genetic evidence.

GeneDx
Classification: Pathogenic. Last evaluated: 2024-07-25. Review status: criteria provided, single submitter. Criteria: GeneDx Variant Classification Process June 2021. Collection method: clinical testing. Allele origin: germline. Affected: yes.
Comment: Not observed at significant frequency in large population cohorts (gnomAD); In silico analysis supports that this missense variant has a deleterious effect on protein structure/function; The majority of missense variants in this gene are considered pathogenic (HGMD); Has not been previously published as pathogenic or benign to our knowledge